The following is an entry in ClinVar:

NM_006009.4(TUBA1A):c.1044C>T (p.Pro348=)

Gene: TUBA1A (tubulin alpha 1a; minus strand). Cytogenetic location: 12q13.12.
Variant type: single nucleotide variant.
Coding change: c.1044C>T on transcript NM_006009.4 (MANE Select); coding-DNA position 1044, C replaced by T.
Protein change: p.Pro348=; no amino-acid change (proline 348 retained).
Molecular consequence: synonymous variant.
Genome position (GRCh38, 1-based): chr12:49,185,322, G>A on the plus strand (C>T on the coding strand, the complement: TUBA1A is on the minus strand). VCF-style: chr12-49185322-G-A. GRCh37 (hg19) VCF-style: chr12-49579105-G-A.
Other names: c.1044C>T, p.Pro348= (NM_001270399.2); c.939C>T, p.Pro313= (NM_001270400.2).
Identifiers: ClinVar variation 381030 (VCV000381030.36), dbSNP rs144574983, ClinGen allele CA6550214.

ClinVar aggregate classification (germline): Benign/Likely benign. Review status: criteria provided, multiple submitters, no conflicts (2 of 4 stars). 5 submissions from 5 submitters: Benign (2); Likely benign (2). 1 of the submissions does not count toward it. Last evaluated 2026-01-26.

Conditions:
TUBA1A-related disorder. Also called: TUBA1A-related condition.

Allele frequency attached by ClinVar (database versions not stated): 1000 Genomes Project 0.00040; 1000 Genomes Project 30x 0.00047; ESP Exome Variant Server 0.00077; gnomAD 0.00078 and 0.00085; TOPMed 0.00100; gnomAD exomes 0.00007 and 0.00020; ExAC 0.00018.
gnomAD v4.1: 230 of 1,614,198 alleles (0.014%); highest among the groups gnomAD compares: African/African-American, 0.26%; no homozygotes.

Submissions (5):

Labcorp Genetics (formerly Invitae), Labcorp
Classification: Benign. Last evaluated: 2026-01-26. Review status: criteria provided, single submitter. Criteria: Invitae Variant Classification Sherloc (09022015). Collection method: clinical testing. Allele origin: germline.

Blueprint Genetics
Classification: Likely benign. Last evaluated: 2024-08-28. Review status: criteria provided, single submitter. Criteria: ACMG Guidelines, 2015. Collection method: clinical testing. Allele origin: germline.

CeGaT Center for Human Genetics Tuebingen
Classification: Likely benign. Last evaluated: 2023-01-01. Review status: criteria provided, single submitter. Criteria: CeGaT Center For Human Genetics Tuebingen Variant Classification Criteria Version 2. Collection method: clinical testing. Allele origin: germline. Affected: yes. Observed: 1 variant allele.
Comment: TUBA1A: BP4, BP7, BS1

GeneDx
Classification: Benign. Last evaluated: 2020-09-14. Review status: criteria provided, single submitter. Criteria: GeneDx Variant Classification Process June 2021. Collection method: clinical testing. Allele origin: germline. Affected: yes.

PreventionGenetics, part of Exact Sciences
Classification: Likely benign for TUBA1A-related condition. Last evaluated: 2024-08-14. Review status: no assertion criteria provided. Collection method: clinical testing. Allele origin: germline. Not counted in ClinVar's aggregate classification.
Comment: This variant is classified as likely benign based on ACMG/AMP sequence variant interpretation guidelines (Richards et al. 2015 PMID: 25741868, with internal and published modifications).